The following is an entry in ClinVar:

NM_000188.3(HK1):c.-5C>T

Genes: HK1 (hexokinase 1; plus strand), LOC130003980 (ATAC-STARR-seq lymphoblastoid silent region 2430; plus strand). Cytogenetic location: 10q22.1.
Variant type: single nucleotide variant.
Coding change: c.-5C>T on transcript NM_000188.3 (MANE Select); 5 bases upstream of the start codon, C replaced by T.
Molecular consequence: 5 prime UTR variant. On other transcripts: non-coding transcript variant (2), intron variant (8).
Genome position (GRCh38, 1-based): chr10:69,318,943, C>T. VCF-style: chr10-69318943-C-T. GRCh37 (hg19) VCF-style: chr10-71078699-C-T.
Other names: c.-5C>T (NM_001322367.1, NM_001441139.1, NM_001441140.1 and 6 more transcripts); c.-222C>T (NM_001441147.1, NM_001441149.1); c.-409C>T (NM_001441151.1); c.-741C>T (NM_001441152.1); c.-1017C>T (NM_001441153.1); c.27+18082C>T (NM_033500.2); c.168+23263C>T (NM_001322365.2); c.75+23263C>T (NM_033498.3, NM_033497.3, NM_001322364.2 and 1 more transcripts); and 2 more.
Identifiers: ClinVar variation 4987613 (VCV004987613.1).

ClinVar aggregate classification (germline): Likely benign (1 of 4 stars; one submission).

Conditions:
HK1-related disorder. Also called: HK1-related condition; HK1-related disorders.

gnomAD v4.1: 12 of 1,591,282 alleles (0.00075%); highest among the groups gnomAD compares: Admixed American, 0.0017%; no homozygotes.

Submission:

PreventionGenetics, part of Exact Sciences
Classification: Likely benign for HK1-related condition. Last evaluated: 2025-01-27. Review status: criteria provided, single submitter. Criteria: ACMG Guidelines, 2015. Collection method: clinical testing. Allele origin: germline.
Comment: This variant is classified as likely benign based on ACMG/AMP sequence variant interpretation guidelines (Richards et al. 2015 PMID: 25741868, with internal and published modifications).